The following is an entry in ClinVar:

ClinVar aggregate classification (germline): Uncertain significance (1 of 4 stars; one submission).

gnomAD v4.1: 1 of 1,543,594 alleles (0.000065%); highest among the groups gnomAD compares: African/African-American, 0.0014%; no homozygotes.

Submission:

Labcorp Genetics (formerly Invitae), Labcorp
Classification: Uncertain significance. Last evaluated: 2022-02-24. Review status: criteria provided, single submitter. Criteria: Invitae Variant Classification Sherloc (09022015). Collection method: clinical testing. Allele origin: germline.
Comment: This sequence change replaces glutamic acid, which is acidic and polar, with lysine, which is basic and polar, at codon 512 of the CPLANE1 protein (p.Glu512Lys). This variant is not present in population databases (gnomAD no frequency). This variant has not been reported in the literature in individuals affected with CPLANE1-related conditions. Advanced modeling of protein sequence and biophysical properties (such as structural, functional, and spatial information, amino acid conservation, physicochemical variation, residue mobility, and thermodynamic stability) performed at Invitae indicates that this missense variant is not expected to disrupt CPLANE1 protein function. In summary, the available evidence is currently insufficient to determine the role of this variant in disease. Therefore, it has been classified as a Variant of Uncertain Significance.

NM_001384732.1(CPLANE1):c.1534G>A (p.Glu512Lys)

Gene: CPLANE1 (ciliogenesis and planar polarity effector complex subunit 1; minus strand). Cytogenetic location: 5p13.2.
Variant type: single nucleotide variant.
Coding change: c.1534G>A on transcript NM_001384732.1 (MANE Select); coding-DNA position 1534, G replaced by A.
Protein change: p.Glu512Lys; replaces glutamic acid 512 with lysine.
Molecular consequence: missense variant.
Genome position (GRCh38, 1-based): chr5:37,227,061, C>T on the plus strand (G>A on the coding strand, the complement: CPLANE1 is on the minus strand). VCF-style: chr5-37227061-C-T. GRCh37 (hg19) VCF-style: chr5-37227163-C-T.
Other names: c.1534G>A, p.Glu512Lys (NM_023073.4); short protein forms E512K.
Identifiers: ClinVar variation 1513081 (VCV001513081.8), dbSNP rs2150443880, ClinGen allele CA359501935.
Genomic context (GRCh38, chr5:37,227,061, plus strand): 5'-CTCTTTTGTTCCAAAAAGGACATAAGTTGTCTGGAAAGTGTCTGCCTTCGTTAGTTTCTT[C>T]TGCTTCAAAATCCTAAAACATGAGGGGAAAAAAATGATACTTAATACCATTTAATACCTT-3'
Protein context (NP_001371661.1, residues 502-522): NAADFQDFEA[Glu512Lys]ETNEGRHFPD